The following is an entry in ClinVar:

NM_001171.6(ABCC6):c.1577G>A (p.Arg526Gln)

Gene: ABCC6 (ATP binding cassette subfamily C member 6; minus strand). Cytogenetic location: 16p13.11.
Variant type: single nucleotide variant.
Coding change: c.1577G>A on transcript NM_001171.6 (MANE Select); coding-DNA position 1577, G replaced by A.
Protein change: p.Arg526Gln; replaces arginine 526 with glutamine.
Molecular consequence: missense variant. On other transcripts: non-coding transcript variant (1).
Genome position (GRCh38, 1-based): chr16:16,190,222, C>T on the plus strand (G>A on the coding strand, the complement: ABCC6 is on the minus strand). VCF-style: chr16-16190222-C-T. GRCh37 (hg19) VCF-style: chr16-16284079-C-T.
Other names: c.1235G>A, p.Arg412Gln (NM_001351800.1); short protein forms R526Q, R412Q.
Identifiers: ClinVar variation 1424914 (VCV001424914.5), dbSNP rs761847996, ClinGen allele CA7926264.
Genomic context (GRCh38, chr16:16,190,222, plus strand): 5'-ACCAGAAATGTAGACACTTGGAAGGACACCAGCGACACAGAGAAGAGGAGGCCGGAGGTC[C>T]GCAAGGCGCCCAGCTCCTGGCCTCGGATGCCCAGGACTCTGTCCAGAAAGGCTCCCTCCC-3'
Protein context (NP_001162.5, residues 516-536): GIRGQELGAL[Arg526Gln]TSGLLFSVSL

ClinVar aggregate classification (germline): Uncertain significance. Review status: criteria provided, multiple submitters, no conflicts (2 of 4 stars). 3 submissions from 3 submitters: Uncertain significance (3). Last evaluated 2023-04-28.

Conditions:
Arterial calcification, generalized, of infancy, 2. Identifiers: Orphanet 51608, MedGen C3276161, MONDO:0013768, OMIM 614473.
Autosomal recessive inherited pseudoxanthoma elasticum (PXE). Identifiers: Orphanet 758, MedGen CN032334, MONDO:0009925, OMIM 264800.
Pseudoxanthoma elasticum, forme fruste. Also called: Pseudoxanthoma Elasticum, Incomplete; PSEUDOXANTHOMA ELASTICUM, HETEROZYGOUS. Identifiers: Orphanet 758, MedGen C1867450, MONDO:0008333, OMIM 177850.

Allele frequency attached by ClinVar (database versions not stated): gnomAD exomes 0.00001 and 0.00003; gnomAD 0.00003.
gnomAD v4.1: 54 of 1,613,890 alleles (0.0033%); highest among the groups gnomAD compares: South Asian, 0.0055%; no homozygotes.

Submissions (3):

Blueprint Genetics
Classification: Uncertain significance. Last evaluated: 2023-04-28. Review status: criteria provided, single submitter. Criteria: ACMG Guidelines, 2015. Collection method: clinical testing. Allele origin: germline.

Labcorp Genetics (formerly Invitae), Labcorp
Classification: Uncertain significance. Last evaluated: 2022-04-12. Review status: criteria provided, single submitter. Criteria: Invitae Variant Classification Sherloc (09022015). Collection method: clinical testing. Allele origin: germline.
Comment: This sequence change replaces arginine, which is basic and polar, with glutamine, which is neutral and polar, at codon 526 of the ABCC6 protein (p.Arg526Gln). This variant is present in population databases (rs761847996, gnomAD 0.004%). This variant has not been reported in the literature in individuals affected with ABCC6-related conditions. Algorithms developed to predict the effect of missense changes on protein structure and function are either unavailable or do not agree on the potential impact of this missense change (SIFT: "Tolerated"; PolyPhen-2: "Possibly Damaging"; Align-GVGD: "Class C0"). Algorithms developed to predict the effect of sequence changes on RNA splicing suggest that this variant may create or strengthen a splice site. In summary, the available evidence is currently insufficient to determine the role of this variant in disease. Therefore, it has been classified as a Variant of Uncertain Significance.

Fulgent Genetics
Classification: Uncertain significance for Pseudoxanthoma elasticum, forme fruste; Autosomal recessive inherited pseudoxanthoma elasticum; Arterial calcification, generalized, of infancy, 2. Last evaluated: 2021-11-04. Review status: criteria provided, single submitter. Criteria: ACMG Guidelines, 2015. Collection method: clinical testing. Allele origin: unknown.